The following is an entry in ClinVar:

ClinVar aggregate classification (germline): Uncertain significance (1 of 4 stars; one submission).

Submission:

GeneDx
Classification: Uncertain significance. Last evaluated: 2025-01-21. Review status: criteria provided, single submitter. Criteria: GeneDx Variant Classification Process June 2021. Collection method: clinical testing. Allele origin: germline. Affected: yes.
Comment: Not observed at significant frequency in large population cohorts (gnomAD); In silico analysis supports that this missense variant has a deleterious effect on protein structure/function; Has not been previously published as pathogenic or benign to our knowledge

NM_001429.4(EP300):c.1437G>C (p.Gln479His)

Gene: EP300 (EP300 lysine acetyltransferase; plus strand). Cytogenetic location: 22q13.2.
Variant type: single nucleotide variant.
Coding change: c.1437G>C on transcript NM_001429.4 (MANE Select); coding-DNA position 1437, G replaced by C.
Protein change: p.Gln479His; replaces glutamine 479 with histidine.
Molecular consequence: missense variant.
Genome position (GRCh38, 1-based): chr22:41,131,542, G>C. VCF-style: chr22-41131542-G-C. GRCh37 (hg19) VCF-style: chr22-41527546-G-C.
Other names: c.1437G>C, p.Gln479His (NM_001362843.2); short protein forms Q479H.
Identifiers: ClinVar variation 4071642 (VCV004071642.1).